The following is an entry in ClinVar:

NM_001370259.2(MEN1):c.1049A>T (p.Asp350Val)

Gene: MEN1 (menin 1; minus strand). Cytogenetic location: 11q13.1.
Variant type: single nucleotide variant.
Coding change: c.1049A>T on transcript NM_001370259.2 (MANE Select); coding-DNA position 1049, A replaced by T.
Protein change: p.Asp350Val; replaces aspartic acid 350 with valine.
Molecular consequence: missense variant. On other transcripts: non-coding transcript variant (4).
Genome position (GRCh38, 1-based): chr11:64,806,232, T>A on the plus strand (A>T on the coding strand, the complement: MEN1 is on the minus strand). VCF-style: chr11-64806232-T-A. GRCh37 (hg19) VCF-style: chr11-64573704-T-A.
Other names: c.1049A>T, p.Glu350Val (NM_001407143.1, NM_001407144.1, NM_001370251.2 and 1 more transcripts); c.1064A>T, p.Asp355Val (NM_001407145.1, NM_130800.3, NM_130801.3 and 4 more transcripts); c.1049A>T, p.Asp350Val (NM_001407146.1, NM_001407147.1, NM_001407152.1 and 3 more transcripts); c.944A>T, p.Asp315Val (NM_001407148.1, NM_001407149.1, NM_001370262.2 and 1 more transcripts); c.1064A>T, p.Glu355Val (NM_001407150.1); c.944A>T, p.Glu315Val (NM_001407151.1); short protein forms E355V, D355V, E350V, D315V, D350V, E315V.
Identifiers: ClinVar variation 2735652 (VCV002735652.5), dbSNP rs2497171722, ClinGen allele CA381183131.

ClinVar aggregate classification (germline): Likely pathogenic. Review status: criteria provided, multiple submitters, no conflicts (2 of 4 stars). 3 submissions from 3 submitters: Likely pathogenic (3). Last evaluated 2025-11-17.

Conditions:
Multiple endocrine neoplasia, type 1 (MEN1). Also called: Endocrine adenomatosis multiple; MEN 1; MEA I; MEN I; WERMER SYNDROME. Identifiers: Orphanet 652, MedGen C0025267, MeSH D018761, MONDO:0007540, OMIM 131100.

Submissions (3):

Women's Health and Genetics/Laboratory Corporation of America, LabCorp
Classification: Likely pathogenic for Multiple endocrine neoplasia, type 1. Last evaluated: 2025-11-17. Review status: criteria provided, single submitter. Criteria: LabCorp Variant Classification Summary - May 2015. Collection method: clinical testing. Allele origin: germline.
Comment: Variant summary: MEN1 c.1049A>T (p.Asp350Val) results in a non-conservative amino acid change in the encoded protein sequence. Algorithms developed to predict the effect of missense changes on protein structure and function all suggest that this variant is likely to be disruptive. Several computational tools predict a significant impact on normal splicing: Four predict the variant creates a cryptic 5' donor site. However, these predictions have yet to be confirmed by functional studies. The variant was absent in 251372 control chromosomes (gnomAD). c.1049A>T has been observed in individuals affected with Multiple Endocrine Neoplasia Type 1 (Choi_2008, Kim_2024, internal data). These data indicate that the variant is likely to be associated with disease. To our knowledge, no experimental evidence demonstrating an impact on protein function has been reported. The following publications have been ascertained in the context of this evaluation (PMID: 18729310, 39552147). ClinVar contains an entry for this variant (Variation ID: 2735652). Based on the evidence outlined above, the variant was classified as likely pathogenic.

Division of Hepatobiliary and Pancreatic Surgery, Department of Surgery, Yonsei University College of Medicine
Classification: Likely pathogenic for Multiple endocrine neoplasia, type 1. Last evaluated: 2024-05-01. Review status: criteria provided, single submitter. Criteria: ACMG Guidelines, 2015. Collection method: clinical testing. Allele origin: germline. Affected: yes. Observed: 1 variant allele.

Labcorp Genetics (formerly Invitae), Labcorp
Classification: Likely pathogenic for Multiple endocrine neoplasia, type 1. Last evaluated: 2023-05-04. Review status: criteria provided, single submitter. Criteria: Invitae Variant Classification Sherloc (09022015). Collection method: clinical testing. Allele origin: germline.
Comment: This missense change has been observed in individual(s) with clinical features of multiple endocrine neoplasia type 1 (PMID: 18729310; Invitae). This variant is not present in population databases (gnomAD no frequency). This sequence change replaces aspartic acid, which is acidic and polar, with valine, which is neutral and non-polar, at codon 350 of the MEN1 protein (p.Asp350Val). An algorithm developed to predict the effect of missense changes on protein structure and function (PolyPhen-2) suggests that this variant is likely to be tolerated. In summary, the currently available evidence indicates that the variant is pathogenic, but additional data are needed to prove that conclusively. Therefore, this variant has been classified as Likely Pathogenic. Algorithms developed to predict the effect of sequence changes on RNA splicing suggest that this variant may disrupt the consensus splice site.

Literature cited by the submitters: PubMed 18729310 (cited by Women's Health and Genetics/Laboratory Corporation of America, LabCorp and Labcorp Genetics (formerly Invitae), Labcorp); PubMed 39552147 (cited by Women's Health and Genetics/Laboratory Corporation of America, LabCorp).